The following is an entry in ClinVar:

ClinVar aggregate classification (germline): Benign/Likely benign. Review status: criteria provided, multiple submitters, no conflicts (2 of 4 stars). 3 submissions from 3 submitters: Benign (1); Likely benign (1). 1 of the submissions does not count toward it. Last evaluated 2025-11-01.

Conditions:
NTRK3-related disorder. Also called: NTRK3-related condition.

Allele frequency attached by ClinVar (database versions not stated): 1000 Genomes Project 30x 0.00047; 1000 Genomes Project 0.00060; TOPMed 0.00096; ESP Exome Variant Server 0.00123; gnomAD 0.00151 and 0.00156; gnomAD exomes 0.00169 and 0.00172; ExAC 0.00170.
gnomAD v4.1: 2,695 of 1,614,264 alleles (0.17%); highest among the groups gnomAD compares: Non-Finnish European, 0.18%; 2 homozygotes.

Submissions (3):

CeGaT Center for Human Genetics Tuebingen
Classification: Likely benign. Last evaluated: 2025-11-01. Review status: criteria provided, single submitter. Criteria: CeGaT Center For Human Genetics Tuebingen Variant Classification Criteria Version 2. Collection method: clinical testing. Allele origin: germline. Affected: yes. Observed: 2 variant alleles.
Comment: NTRK3: BP4, BP7

Labcorp Genetics (formerly Invitae), Labcorp
Classification: Benign. Last evaluated: 2018-10-02. Review status: criteria provided, single submitter. Criteria: Invitae Variant Classification Sherloc (09022015). Collection method: clinical testing. Allele origin: germline.

PreventionGenetics, part of Exact Sciences
Classification: Likely benign for NTRK3-related condition. Last evaluated: 2019-02-22. Review status: no assertion criteria provided. Collection method: clinical testing. Allele origin: germline. Not counted in ClinVar's aggregate classification.
Comment: This variant is classified as likely benign based on ACMG/AMP sequence variant interpretation guidelines (Richards et al. 2015 PMID: 25741868, with internal and published modifications).

NM_001012338.3(NTRK3):c.802T>C (p.Leu268=)

Gene: NTRK3 (neurotrophic receptor tyrosine kinase 3; minus strand). Cytogenetic location: 15q25.3.
Variant type: single nucleotide variant.
Coding change: c.802T>C on transcript NM_001012338.3 (MANE Select); coding-DNA position 802, T replaced by C.
Protein change: p.Leu268=; no amino-acid change (leucine 268 retained).
Molecular consequence: synonymous variant.
Genome position (GRCh38, 1-based): chr15:88,136,004, A>G on the plus strand (T>C on the coding strand, the complement: NTRK3 is on the minus strand). VCF-style: chr15-88136004-A-G. GRCh37 (hg19) VCF-style: chr15-88679235-A-G.
Other names: c.802T>C, p.Leu268= (NM_001007156.3, NM_001243101.2, NM_001320134.1 and 6 more transcripts); c.508T>C, p.Leu170= (NM_001320135.2).
Identifiers: ClinVar variation 791596 (VCV000791596.28), dbSNP rs55748132, ClinGen allele CA7717134.